The following is an entry in ClinVar:

NM_000051.4(ATM):c.663-3C>T

Gene: ATM (ATM serine/threonine kinase; plus strand). Cytogenetic location: 11q22.3.
Variant type: single nucleotide variant.
Coding change: c.663-3C>T on transcript NM_000051.4 (MANE Select); 3 bases into the intron before coding-DNA position 663, C replaced by T.
Molecular consequence: intron variant.
Genome position (GRCh38, 1-based): chr11:108,244,785, C>T. VCF-style: chr11-108244785-C-T. GRCh37 (hg19) VCF-style: chr11-108115512-C-T.
Other names: c.663-3C>T (NM_001351834.2, NM_000051.3).
Identifiers: ClinVar variation 1009645 (VCV001009645.10), dbSNP rs2079752506, ClinGen allele CA1998764772.

ClinVar aggregate classification (germline): Uncertain significance. Review status: criteria provided, multiple submitters, no conflicts (2 of 4 stars). 2 submissions from 2 submitters: Uncertain significance (2). Last evaluated 2025-09-12.

Conditions:
Hereditary cancer-predisposing syndrome. Also called: Tumor predisposition; Hereditary Cancer Syndrome; Neoplastic Syndromes, Hereditary; Hereditary neoplastic syndrome. Identifiers: Orphanet 140162, MedGen C0027672, MeSH D009386, MONDO:0015356.
Ataxia-telangiectasia syndrome (AT). Also called: Cerebello-oculocutaneous telangiectasia; Immunodeficiency with ataxia telangiectasia; ATAXIA-TELANGIECTASIA, COMPLEMENTATION GROUP A; ATAXIA-TELANGIECTASIA, FRESNO VARIANT; LOUIS-BAR SYNDROME; Ataxia-telangiectasia, complementation group E. Identifiers: Orphanet 100, MedGen C0004135, MONDO:0008840, OMIM 208900.

Submissions (2):

Labcorp Genetics (formerly Invitae), Labcorp
Classification: Uncertain significance for Ataxia-telangiectasia syndrome. Last evaluated: 2025-09-12. Review status: criteria provided, single submitter. Criteria: Invitae Variant Classification Sherloc (09022015). Collection method: clinical testing. Allele origin: germline.
Comment: This sequence change falls in intron 6 of the ATM gene. It does not directly change the encoded amino acid sequence of the ATM protein. It affects a nucleotide within the consensus splice site. This variant is not present in population databases (gnomAD no frequency). This variant has not been reported in the literature in individuals affected with ATM-related conditions. ClinVar contains an entry for this variant (Variation ID: 1009645). Variants that disrupt the consensus splice site are a relatively common cause of aberrant splicing (PMID: 17576681, 9536098). Algorithms developed to predict the effect of sequence changes on RNA splicing suggest that this variant may disrupt the consensus splice site. In summary, the available evidence is currently insufficient to determine the role of this variant in disease. Therefore, it has been classified as a Variant of Uncertain Significance.

Ambry Genetics
Classification: Uncertain significance for Hereditary cancer-predisposing syndrome. Last evaluated: 2023-06-26. Review status: criteria provided, single submitter. Criteria: Ambry Variant Classification Scheme 2023. Collection method: clinical testing. Allele origin: germline.
Comment: The c.663-3C>T intronic variant results from a C to T substitution 3 nucleotides upstream from coding exon 6 in the ATM gene. This nucleotide position is highly conserved in available vertebrate species. In silico splice site analysis for this alteration is inconclusive. RNA studies have demonstrated that this alteration results in a splice defect involving exons excluded from naturally occurring transcripts; the clinical impact of this abnormal splicing is unknown at this time (Ambry internal data). Since supporting evidence is limited at this time, the clinical significance of this alteration remains unclear.

Literature cited by the submitters: PubMed 17576681 (cited by Labcorp Genetics (formerly Invitae), Labcorp); PubMed 9536098 (cited by Labcorp Genetics (formerly Invitae), Labcorp).